The following is an entry in ClinVar:

ClinVar aggregate classification (germline): Uncertain significance (1 of 4 stars; one submission).

Conditions:
Catecholaminergic polymorphic ventricular tachycardia 1. Also called: VENTRICULAR TACHYCARDIA, CATECHOLAMINERGIC POLYMORPHIC, 1, WITH OR WITHOUT ATRIAL DYSFUNCTION AND/OR DILATED CARDIOMYOPATHY; VENTRICULAR TACHYCARDIA, STRESS-INDUCED POLYMORPHIC 1; RYR2-Related Catecholaminergic Polymorphic Ventricular Tachycardia. Identifiers: Orphanet 3286, MedGen C1631597, MONDO:0011484, OMIM 604772.

Submission:

Labcorp Genetics (formerly Invitae), Labcorp
Classification: Uncertain significance for Catecholaminergic polymorphic ventricular tachycardia 1. Last evaluated: 2023-08-01. Review status: criteria provided, single submitter. Criteria: Invitae Variant Classification Sherloc (09022015). Collection method: clinical testing. Allele origin: germline.
Comment: In summary, the available evidence is currently insufficient to determine the role of this variant in disease. Therefore, it has been classified as a Variant of Uncertain Significance. Advanced modeling of protein sequence and biophysical properties (such as structural, functional, and spatial information, amino acid conservation, physicochemical variation, residue mobility, and thermodynamic stability) performed at Invitae indicates that this missense variant is expected to disrupt RYR2 protein function. This variant has not been reported in the literature in individuals affected with RYR2-related conditions. This variant is not present in population databases (gnomAD no frequency). This sequence change replaces isoleucine, which is neutral and non-polar, with threonine, which is neutral and polar, at codon 3283 of the RYR2 protein (p.Ile3283Thr).

NM_001035.3(RYR2):c.9848T>C (p.Ile3283Thr)

Gene: RYR2 (ryanodine receptor 2; plus strand). Cytogenetic location: 1q43.
Variant type: single nucleotide variant.
Coding change: c.9848T>C on transcript NM_001035.3 (MANE Select); coding-DNA position 9848, T replaced by C.
Protein change: p.Ile3283Thr; replaces isoleucine 3283 with threonine.
Molecular consequence: missense variant.
Genome position (GRCh38, 1-based): chr1:237,707,216, T>C. VCF-style: chr1-237707216-T-C. GRCh37 (hg19) VCF-style: chr1-237870516-T-C.
Other names: short protein forms I3283T.
Identifiers: ClinVar variation 3016800 (VCV003016800.3), dbSNP rs1688456281, ClinGen allele CA345409338.
Genomic context (GRCh38, chr1:237,707,216, plus strand): 5'-TGTGCTGCACAGCCCTGAACTCAGAGCACATGAACACACTTCTAGGGAACATATTGAAAA[T>C]CATATATAATAACTTGGGGATTGATGAGGGAGCCTGGATGAAGAGGCTAGCAGGTAAGAA-3'
Protein context (NP_001026.2, residues 3273-3293): MNTLLGNILK[Ile3283Thr]IYNNLGIDEG